The following is an entry in ClinVar:

NM_001199138.2(NLRC4):c.2430_2433del (p.Asp809_Tyr810insTer)

Gene: NLRC4 (NLR family CARD domain containing 4; minus strand). Cytogenetic location: 2p22.3.
Variant type: Deletion.
Coding change: c.2430_2433del on transcript NM_001199138.2 (MANE Select); coding-DNA positions 2430 to 2433, 4 bases deleted (CATA; older notation c.2430_2433delCATA).
Protein change: p.Asp809_Tyr810insTer.
Molecular consequence: nonsense. On other transcripts: frameshift variant (3).
Genome position (GRCh38, 1-based): chr2:32,238,220-32,238,223, TATG deleted on the plus strand (CATA on the coding strand, the reverse complement: NLRC4 is on the minus strand); deleting any 4 consecutive bases within chr2:32,238,220-32,238,225 gives the same sequence; the c. name uses the placement nearest the transcript's 3' end. VCF-style (leftmost placement, unchanged base first): chr2-32238219-CTATG-C. GRCh37 (hg19) VCF-style: chr2-32463288-CTATG-C.
Other names: c.2428_2431delTACA, p.Tyr810Terfs (NM_021209.5, NM_001199139.2); c.433_436delTACA, p.Tyr145Terfs (NM_001302504.2).
Identifiers: ClinVar variation 934106 (VCV000934106.7), dbSNP rs1686715407, ClinGen allele CA1139656872.

ClinVar aggregate classification (germline): Uncertain significance (1 of 4 stars; one submission).

Conditions:
Periodic fever-infantile enterocolitis-autoinflammatory syndrome. Also called: Autoinflammation with infantile enterocolitis. Identifiers: Orphanet 436166, MedGen C4015067, MONDO:0014472, OMIM 616050.
Familial cold autoinflammatory syndrome 4 (FCAS4). Identifiers: Orphanet 47045, Orphanet 576349, MedGen C4015276, MONDO:0014498, OMIM 616115.

Submission:

Labcorp Genetics (formerly Invitae), Labcorp
Classification: Uncertain significance for Periodic fever-infantile enterocolitis-autoinflammatory syndrome; Familial cold autoinflammatory syndrome 4. Last evaluated: 2019-07-03. Review status: criteria provided, single submitter. Criteria: Invitae Variant Classification Sherloc (09022015). Collection method: clinical testing. Allele origin: germline.
Comment: This sequence change creates a premature translational stop signal (p.Tyr810*) in the NLRC4 gene. It is expected to result in an absent or disrupted protein product. This variant is not present in population databases (ExAC no frequency). This variant has not been reported in the literature in individuals with NLRC4-related conditions. The current clinical and genetic evidence is not sufficient to establish whether loss-of-function variants in NLRC4 cause disease. In summary, the available evidence is currently insufficient to determine the role of this variant in disease. Therefore, it has been classified as a Variant of Uncertain Significance.